The following is an entry in ClinVar:

ClinVar aggregate classification (germline): Uncertain significance. Review status: criteria provided, multiple submitters, no conflicts (2 of 4 stars). 4 submissions from 4 submitters: Uncertain significance (4). Last evaluated 2024-11-11.

Conditions:
Inborn genetic diseases. Identifiers: MedGen C0950123, MeSH D030342.
Hypomyelination and Congenital Cataract (HLD5). Also called: hypomyelinating leukodystrophy 5. Identifiers: Orphanet 85163, MedGen C1864663, MONDO:0012514, OMIM 610532.

Allele frequency attached by ClinVar (database versions not stated): gnomAD exomes 0.00002 and 0.00003; ExAC 0.00006; ESP Exome Variant Server 0.00008; gnomAD 0.00008 and 0.00009; TOPMed 0.00011; 1000 Genomes Project 0.00020; 1000 Genomes Project 30x 0.00031.
gnomAD v4.1: 60 of 1,566,144 alleles (0.0038%); highest among the groups gnomAD compares: African/African-American, 0.062%; 3 homozygotes.

Submissions (4):

Blueprint Genetics
Classification: Uncertain significance. Last evaluated: 2024-11-11. Review status: criteria provided, single submitter. Criteria: ACMG Guidelines, 2015. Collection method: clinical testing. Allele origin: germline.

Labcorp Genetics (formerly Invitae), Labcorp
Classification: Uncertain significance for Hypomyelination and Congenital Cataract. Last evaluated: 2022-09-01. Review status: criteria provided, single submitter. Criteria: Invitae Variant Classification Sherloc (09022015). Collection method: clinical testing. Allele origin: germline.
Comment: This sequence change replaces isoleucine, which is neutral and non-polar, with valine, which is neutral and non-polar, at codon 210 of the FAM126A protein (p.Ile210Val). This variant is present in population databases (rs372377823, gnomAD 0.01%). This variant has not been reported in the literature in individuals affected with FAM126A-related conditions. ClinVar contains an entry for this variant (Variation ID: 1220438). Algorithms developed to predict the effect of missense changes on protein structure and function (SIFT, PolyPhen-2, Align-GVGD) all suggest that this variant is likely to be tolerated. In summary, the available evidence is currently insufficient to determine the role of this variant in disease. Therefore, it has been classified as a Variant of Uncertain Significance.

Ambry Genetics
Classification: Uncertain significance for Inborn genetic diseases. Last evaluated: 2021-07-13. Review status: criteria provided, single submitter. Criteria: Ambry Variant Classification Scheme 2023. Collection method: clinical testing. Allele origin: germline.

GeneDx
Classification: Uncertain significance. Last evaluated: 2020-05-22. Review status: criteria provided, single submitter. Criteria: GeneDx Variant Classification Process June 2021. Collection method: clinical testing. Allele origin: germline. Affected: yes.
Comment: Not observed at a significant frequency in large population cohorts (Lek et al., 2016); In silico analysis, which includes protein predictors and evolutionary conservation, supports that this variant does not alter protein structure/function; Has not been previously published as pathogenic or benign to our knowledge

NM_032581.4(HYCC1):c.628A>G (p.Ile210Val)

Gene: HYCC1 (hyccin PI4KA lipid kinase complex subunit 1; minus strand). Cytogenetic location: 7p15.3.
Variant type: single nucleotide variant.
Coding change: c.628A>G on transcript NM_032581.4 (MANE Select); coding-DNA position 628, A replaced by G.
Protein change: p.Ile210Val; replaces isoleucine 210 with valine.
Molecular consequence: missense variant.
Genome position (GRCh38, 1-based): chr7:22,964,530, T>C on the plus strand (A>G on the coding strand, the complement: HYCC1 is on the minus strand). VCF-style: chr7-22964530-T-C. GRCh37 (hg19) VCF-style: chr7-23004149-T-C.
Other names: c.628A>G, p.Ile210Val (NM_001363466.2, NM_001363467.2); short protein forms I210V.
Identifiers: ClinVar variation 1220438 (VCV001220438.7), dbSNP rs372377823, ClinGen allele CA4185947.